The following is an entry in ClinVar:

ClinVar aggregate classification (germline): Uncertain significance. Review status: criteria provided, multiple submitters, no conflicts (2 of 4 stars). 3 submissions from 3 submitters: Uncertain significance (3). Last evaluated 2025-09-01.

Conditions:
Epileptic encephalopathy. Identifiers: MedGen C0543888, HP:0200134.
Congenital myopathy 20 (CMYO20). Identifiers: MedGen C5830393, MONDO:0957215, OMIM 620310.

Allele frequency attached by ClinVar (database versions not stated): TOPMed 0.00010; gnomAD 0.00013 and 0.00014.
gnomAD v4.1: 70 of 1,612,664 alleles (0.0043%); highest among the groups gnomAD compares: African/African-American, 0.039%; no homozygotes.

Submissions (3):

Ambry Genetics
Classification: Uncertain significance. Last evaluated: 2025-09-01. Review status: criteria provided, single submitter. Criteria: Ambry Variant Classification Scheme 2023. Collection method: clinical testing. Allele origin: germline.

Dasa
Classification: Uncertain significance for Congenital myopathy 20. Last evaluated: 2025-07-01. Review status: criteria provided, single submitter. Criteria: DASA Assertion Criteria. Collection method: clinical testing. Allele origin: germline.
Comment: NM_001036.6(RYR3):c.3599G>A (p.Arg1200His) is a missense variant that results in the substitution of arginine with histidine. This variant is rare in population databases. Computational prediction algorithms are consistent with a benign effect. The currently available literature and clinical evidence are not sufficient to establish a definitive association between this variant and the reported condition. Therefore, this variant is classified as a variant of uncertain significance.

Labcorp Genetics (formerly Invitae), Labcorp
Classification: Uncertain significance for Epileptic encephalopathy. Last evaluated: 2020-05-06. Review status: criteria provided, single submitter. Criteria: Invitae Variant Classification Sherloc (09022015). Collection method: clinical testing. Allele origin: germline.
Comment: This sequence change replaces arginine with histidine at codon 1200 of the RYR3 protein (p.Arg1200His). The arginine residue is highly conserved and there is a small physicochemical difference between arginine and histidine. In summary, the available evidence is currently insufficient to determine the role of this variant in disease. Therefore, it has been classified as a Variant of Uncertain Significance. Algorithms developed to predict the effect of missense changes on protein structure and function (SIFT, PolyPhen-2, Align-GVGD) all suggest that this variant is likely to be disruptive, but these predictions have not been confirmed by published functional studies and their clinical significance is uncertain. This variant has not been reported in the literature in individuals with RYR3-related conditions. This variant is present in population databases (rs377298605, ExAC 0.02%).

NM_001036.6(RYR3):c.3599G>A (p.Arg1200His)

Gene: RYR3 (ryanodine receptor 3; plus strand). Cytogenetic location: 15q14.
Variant type: single nucleotide variant.
Coding change: c.3599G>A on transcript NM_001036.6 (MANE Select); coding-DNA position 3599, G replaced by A.
Protein change: p.Arg1200His; replaces arginine 1200 with histidine.
Molecular consequence: missense variant.
Genome position (GRCh38, 1-based): chr15:33,644,353, G>A. VCF-style: chr15-33644353-G-A. GRCh37 (hg19) VCF-style: chr15-33936554-G-A.
Other names: c.3599G>A, p.Arg1200His (NM_001243996.4); c.3599G>A (NM_001036.3); short protein forms R1200H.
Identifiers: ClinVar variation 999591 (VCV000999591.12), dbSNP rs377298605, ClinGen allele CA7458744.